The following is an entry in ClinVar:

NM_000719.7(CACNA1C):c.175G>T (p.Ala59Ser)

Gene: CACNA1C (calcium voltage-gated channel subunit alpha1 C; plus strand). Cytogenetic location: 12p13.33.
Variant type: single nucleotide variant.
Coding change: c.175G>T on transcript NM_000719.7 (MANE Select); coding-DNA position 175, G replaced by T.
Protein change: p.Ala59Ser; replaces alanine 59 with serine.
Molecular consequence: missense variant.
Genome position (GRCh38, 1-based): chr12:2,115,349, G>T. VCF-style: chr12-2115349-G-T. GRCh37 (hg19) VCF-style: chr12-2224515-G-T.
Other names: p.A59S:GCC>TCC; c.175G>T, p.Ala59Ser (NM_001129827.2, NM_001129829.2, NM_001129830.3 and 19 more transcripts); short protein forms A59S.
Identifiers: ClinVar variation 190682 (VCV000190682.2), dbSNP rs786205766, ClinGen allele CA301599.
Genomic context (GRCh38, chr12:2,115,349, plus strand): 5'-GCCCCTGAGCACATCCCCACCCCGGGGGCTGCCCTGTCGTGGCAGGCGGCCATCGACGCA[G>T]CCCGGCAGGCTAAGCTGATGGGCAGCGCTGGCAATGCGACCATCTCCACAGTCAGCTCCA-3'
Protein context (NP_000710.5, residues 49-69): ALSWQAAIDA[Ala59Ser]RQAKLMGSAG

ClinVar aggregate classification (germline): Uncertain significance (1 of 4 stars; one submission).

Submission:

GeneDx
Classification: Uncertain significance. Last evaluated: 2014-03-16. Review status: criteria provided, single submitter. Criteria: GeneDx Variant Classification (06012015). Collection method: clinical testing. Allele origin: germline. Affected: yes.
Comment: p.Ala59Ser (GCC>TCC): c.175 G>T in exon 2 of the CACNA1C gene (NM_000719.6). A variant of unknown significance has been identified in the CACNA1C gene. The A59S variant has not been published as a mutation, nor has it been reported as a benign polymorphism to our knowledge. The A59S variant was not observed in approximately 6,300 individuals of European and African American ancestry in the NHLBI Exome Sequencing Project, indicating it is not a common benign variant in these populations. The A59S variant is a non-conservative amino acid substitution, which is likely to impact secondary protein structure as these residues differ in polarity, charge, size and/or other properties. This substitution occurs at a position that is conserved across species. In silico analysis is inconsistent in its predictions as to whether or not the variant is damaging to the protein structure/function. Mutations in nearby residues have not been reported in association with LQTS, indicating this region of the protein may tolerate change. Therefore, based on the currently available information, it is unclear whether this variant is a pathogenic mutation or a rare benign variant. The variant is found in LQT panel(s).